The following is an entry in ClinVar:

ClinVar aggregate classification (germline): Uncertain significance. Review status: criteria provided, multiple submitters, no conflicts (2 of 4 stars). 2 submissions from 2 submitters: Uncertain significance (2). Last evaluated 2023-07-01.

Allele frequency attached by ClinVar (database versions not stated): gnomAD 0.00003; ExAC 0.00005; TOPMed 0.00006; ESP Exome Variant Server 0.00008; gnomAD exomes 0.00008.
gnomAD v4.1: 121 of 1,553,278 alleles (0.0078%); highest among the groups gnomAD compares: Non-Finnish European, 0.0094%; no homozygotes.

Submissions (2):

CeGaT Center for Human Genetics Tuebingen
Classification: Uncertain significance. Last evaluated: 2023-07-01. Review status: criteria provided, single submitter. Criteria: CeGaT Center For Human Genetics Tuebingen Variant Classification Criteria Version 2. Collection method: clinical testing. Allele origin: germline. Affected: yes. Observed: 1 variant allele.
Comment: TUBGCP2: PM2, BP4

Ambry Genetics
Classification: Uncertain significance. Last evaluated: 2021-09-17. Review status: criteria provided, single submitter. Criteria: Ambry Variant Classification Scheme 2023. Collection method: clinical testing. Allele origin: germline.

NM_006659.4(TUBGCP2):c.802G>A (p.Ala268Thr)

Genes: TUBGCP2 (tubulin gamma complex component 2; minus strand), LOC126861106 (P300/CBP strongly-dependent group 1 enhancer GRCh37_chr10:135106330-135107529; plus strand). Cytogenetic location: 10q26.3.
Variant type: single nucleotide variant.
Coding change: c.802G>A on transcript NM_006659.4 (MANE Select); coding-DNA position 802, G replaced by A.
Protein change: p.Ala268Thr; replaces alanine 268 with threonine.
Molecular consequence: missense variant. On other transcripts: non-coding transcript variant (1).
Genome position (GRCh38, 1-based): chr10:133,293,584, C>T on the plus strand (G>A on the coding strand, the complement: TUBGCP2 is on the minus strand). VCF-style: chr10-133293584-C-T. GRCh37 (hg19) VCF-style: chr10-135107088-C-T.
Other names: c.886G>A, p.Ala296Thr (NM_001256617.2); c.412G>A, p.Ala138Thr (NM_001256618.2); short protein forms A138T, A296T, A268T.
Identifiers: ClinVar variation 2343210 (VCV002343210.26), dbSNP rs148337741, ClinGen allele CA5764371.